The following is an entry in ClinVar:

ClinVar aggregate classification (germline): Uncertain significance (1 of 4 stars; one submission).

Conditions:
Spastic paraplegia. Identifiers: MedGen C0037772, HP:0001258.

Allele frequency attached by ClinVar (database versions not stated): TOPMed below 0.00001.

Submission:

Labcorp Genetics (formerly Invitae), Labcorp
Classification: Uncertain significance for Spastic paraplegia. Last evaluated: 2022-06-16. Review status: criteria provided, single submitter. Criteria: Invitae Variant Classification Sherloc (09022015). Collection method: clinical testing. Allele origin: germline.
Comment: In summary, the available evidence is currently insufficient to determine the role of this variant in disease. Therefore, it has been classified as a Variant of Uncertain Significance. Algorithms developed to predict the effect of sequence changes on RNA splicing suggest that this variant may disrupt the consensus splice site. Algorithms developed to predict the effect of missense changes on protein structure and function are either unavailable or do not agree on the potential impact of this missense change (SIFT: "Deleterious"; PolyPhen-2: "Probably Damaging"; Align-GVGD: "Class C0"). This variant has not been reported in the literature in individuals affected with AP4E1-related conditions. This variant is not present in population databases (gnomAD no frequency). This sequence change replaces lysine, which is basic and polar, with glutamic acid, which is acidic and polar, at codon 358 of the AP4E1 protein (p.Lys358Glu).

NM_007347.5(AP4E1):c.1072A>G (p.Lys358Glu)

Gene: AP4E1 (adaptor related protein complex 4 subunit epsilon 1; plus strand). Cytogenetic location: 15q21.2.
Variant type: single nucleotide variant.
Coding change: c.1072A>G on transcript NM_007347.5 (MANE Select); coding-DNA position 1072, A replaced by G.
Protein change: p.Lys358Glu; replaces lysine 358 with glutamic acid.
Molecular consequence: missense variant.
Genome position (GRCh38, 1-based): chr15:50,941,671, A>G. VCF-style: chr15-50941671-A-G. GRCh37 (hg19) VCF-style: chr15-51233868-A-G.
Other names: c.847A>G, p.Lys283Glu (NM_001252127.2); short protein forms K358E, K283E.
Identifiers: ClinVar variation 2007151 (VCV002007151.4), dbSNP rs2063990439, ClinGen allele CA392416839.